The following is an entry in ClinVar:

NM_000202.8(IDS):c.1433del (p.Asp478fs)

Gene: IDS (iduronate 2-sulfatase; minus strand). Cytogenetic location: Xq28.
Variant type: Deletion.
Coding change: c.1433del on transcript NM_000202.8 (MANE Select); coding-DNA position 1433, one base deleted (A; older notation c.1433delA).
Protein change: p.Asp478fs; shifts the reading frame from aspartic acid 478.
Molecular consequence: frameshift variant.
Genome position (GRCh38, 1-based): chrX:149,482,966, T deleted on the plus strand (A on the coding strand, the reverse complement: IDS is on the minus strand). VCF-style (leftmost placement, unchanged base first): chrX-149482965-GT-G. GRCh37 (hg19) VCF-style: chrX-148564496-GT-G.
Other names: c.1163del, p.Asp388fs (NM_001166550.4); short protein forms D388fs, D478fs.
Identifiers: ClinVar variation 3256059 (VCV003256059.2).

ClinVar aggregate classification (germline): Pathogenic (1 of 4 stars; one submission).

Conditions:
Mucopolysaccharidosis, MPS-II (MPS2). Also called: Hunter Syndrome; IDURONATE 2-SULFATASE DEFICIENCY; Mucopolysaccharidosis Type II; Mucopolysaccharidosis type 2; Attenuated MPS (subtype; formerly known as mild MPS II); Severe MPS II. Identifiers: Orphanet 580, Orphanet 79388, MedGen C0026705, MONDO:0010674, OMIM 309900.

Submission:

Laboratory of Diagnosis and Therapy of Lysosomal Disorders, University of Padova
Classification: Pathogenic for Mucopolysaccharidosis, MPS-II. Last evaluated: 2024-06-07. Review status: criteria provided, single submitter. Criteria: ACMG Guidelines, 2015. Collection method: literature only. Allele origin: germline. Affected: yes. Observed: 1 variant allele.
Comment: Null variant (PVS1_Strong), Absent from controls (or at low frequency) in gnomAD database (PM2_Moderate), Patient’s phenotype or family history highly specific for the disease (PP4_Strong)

Classification method: ACMG Guidelines [PMID:25741868] with modifications

Literature cited by the submitters: PubMed 8664909.